The following is an entry in ClinVar:

NM_033087.4(ALG2):c.292G>A (p.Ala98Thr)

Gene: ALG2 (ALG2 alpha-1,3/1,6-mannosyltransferase; minus strand). Cytogenetic location: 9q22.33.
Variant type: single nucleotide variant.
Coding change: c.292G>A on transcript NM_033087.4 (MANE Select); coding-DNA position 292, G replaced by A.
Protein change: p.Ala98Thr; replaces alanine 98 with threonine.
Molecular consequence: missense variant. On other transcripts: non-coding transcript variant (1).
Genome position (GRCh38, 1-based): chr9:99,221,603, C>T on the plus strand (G>A on the coding strand, the complement: ALG2 is on the minus strand). VCF-style: chr9-99221603-C-T. GRCh37 (hg19) VCF-style: chr9-101983885-C-T.
Other names: short protein forms A98T.
Identifiers: ClinVar variation 1805321 (VCV001805321.1), dbSNP rs1233858324, ClinGen allele CA374231400.

ClinVar aggregate classification (germline): Uncertain significance (1 of 4 stars; one submission).

Conditions:
Congenital disorder of glycosylation, type Ii. Also called: CDG Ii; ALG2-congenital disorder of glycosylation; ALG2-CDG. Identifiers: Orphanet 79326, MedGen C1842836, MONDO:0011933, OMIM 607906.

Allele frequency attached by ClinVar (database versions not stated): TOPMed below 0.00001.

Submission:

Victorian Clinical Genetics Services, Murdoch Childrens Research Institute
Classification: Uncertain significance for Congenital disorder of glycosylation, type Ii. Last evaluated: 2020-05-21. Review status: criteria provided, single submitter. Criteria: ACMG Guidelines, 2015. Collection method: clinical testing. Allele origin: germline. Inheritance: Autosomal recessive inheritance. Affected: yes.
Comment: A homozygous missense variant was identified, NM_033087.3(ALG2):c.292G>A in exon 1 of 2 of the ALG2 gene. This substitution is predicted to create a minor amino acid change from an alanine to a threonine at position 98 of the protein; NP_149078.1 (ALG2):p.(Ala98Thr). The alanine at this position has high conservation (100 vertebrates, UCSC), and is located within the glysosyltransferase family 4 domain (Decipher, PDB). In silico software predictions of the pathogenicity of this variant are conflicting (PolyPhen2, SIFT, CADD, Mutation Taster). The variant is not present in the gnomAD population database. This variant has not previously been reported in clinical cases. Based on information available at the time of curation, this variant has been classified as a VUS.